The following is an entry in ClinVar:

NM_000051.4(ATM):c.6633T>C (p.Leu2211=)

Genes: ATM (ATM serine/threonine kinase; plus strand), C11orf65 (chromosome 11 open reading frame 65; minus strand). Cytogenetic location: 11q22.3.
Variant type: single nucleotide variant.
Coding change: c.6633T>C on transcript NM_000051.4 (MANE Select); coding-DNA position 6633, T replaced by C.
Protein change: p.Leu2211=; no amino-acid change (leucine 2211 retained).
Molecular consequence: synonymous variant. On other transcripts: intron variant (2).
Genome position (GRCh38, 1-based): chr11:108,325,370, T>C. VCF-style: chr11-108325370-T-C. GRCh37 (hg19) VCF-style: chr11-108196097-T-C.
Other names: c.6633T>C, p.Leu2211= (NM_001351834.2); c.641-16299A>G (NM_001330368.2); c.*38+9850A>G (NM_001351110.2).
Identifiers: ClinVar variation 3254454 (VCV003254454.1), dbSNP rs2136309689.

ClinVar aggregate classification (germline): Benign (1 of 4 stars; one submission).

Conditions:
Familial cancer of breast. Also called: hereditary breast carcinoma; BREAST CANCER, FAMILIAL; Hereditary breast cancer. Identifiers: Orphanet 227535, MedGen C0346153, MONDO:0016419, OMIM 114480. Disease mechanism: loss of function.

Submission:

Myriad Genetics, Inc.
Classification: Benign for Familial cancer of breast. Last evaluated: 2024-06-07. Review status: criteria provided, single submitter. Criteria: Myriad Autosomal Dominant, Autosomal Recessive and X-Linked Classification Criteria (2023). Collection method: clinical testing. Allele origin: unknown.
Comment: This variant is considered benign. This variant is a silent/synonymous amino acid change and it is not expected to impact splicing.